The following is an entry in ClinVar:

ClinVar aggregate classification (germline): Uncertain significance (1 of 4 stars; one submission).

Submission:

Labcorp Genetics (formerly Invitae), Labcorp
Classification: Uncertain significance. Last evaluated: 2024-05-23. Review status: criteria provided, single submitter. Criteria: Invitae Variant Classification Sherloc (09022015). Collection method: clinical testing. Allele origin: germline.
Comment: This sequence change replaces alanine, which is neutral and non-polar, with glycine, which is neutral and non-polar, at codon 287 of the ICOSLG protein (p.Ala287Gly). This variant is present in population databases (rs746882277, gnomAD 0.02%). This variant has not been reported in the literature in individuals affected with ICOSLG-related conditions. An algorithm developed to predict the effect of missense changes on protein structure and function (PolyPhen-2) suggests that this variant is likely to be tolerated. In summary, the available evidence is currently insufficient to determine the role of this variant in disease. Therefore, it has been classified as a Variant of Uncertain Significance.

NM_015259.6(ICOSLG):c.860C>G (p.Ala287Gly)

Gene: ICOSLG (inducible T cell costimulator ligand; minus strand). Cytogenetic location: 21q22.3.
Variant type: single nucleotide variant.
Coding change: c.860C>G on transcript NM_015259.6 (MANE Select); coding-DNA position 860, C replaced by G.
Protein change: p.Ala287Gly; replaces alanine 287 with glycine.
Molecular consequence: missense variant.
Genome position (GRCh38, 1-based): chr21:44,231,282, G>C on the plus strand (C>G on the coding strand, the complement: ICOSLG is on the minus strand). VCF-style: chr21-44231282-G-C. GRCh37 (hg19) VCF-style: chr21-45651165-G-C.
Other names: c.860C>G, p.Ala287Gly (NM_001283050.2, NM_001395918.1); c.509C>G, p.Ala170Gly (NM_001283051.2); c.605C>G, p.Ala202Gly (NM_001283052.2); c.779C>G, p.Ala260Gly (NM_001365759.2); short protein forms A170G, A202G, A260G, A287G.
Identifiers: ClinVar variation 3608348 (VCV003608348.2).